The following is an entry in ClinVar:

ClinVar aggregate classification (germline): Uncertain significance (1 of 4 stars; one submission).

Allele frequency attached by ClinVar (database versions not stated): gnomAD exomes below 0.00001; gnomAD 0.00001; TOPMed 0.00002; ExAC 0.00005; 1000 Genomes Project 0.00040; 1000 Genomes Project 30x 0.00047.
gnomAD v4.1: 6 of 1,602,488 alleles (0.00037%); highest among the groups gnomAD compares: Middle Eastern, 0.023%; no homozygotes.

Submission:

GeneDx
Classification: Uncertain significance. Last evaluated: 2022-11-11. Review status: criteria provided, single submitter. Criteria: GeneDx Variant Classification Process June 2021. Collection method: clinical testing. Allele origin: germline. Affected: yes.
Comment: Not observed at significant frequency in large population cohorts (gnomAD); In silico analysis supports that this missense variant has a deleterious effect on protein structure/function; Has not been previously published as pathogenic or benign to our knowledge

NM_001009944.3(PKD1):c.952G>A (p.Gly318Arg)

Gene: PKD1 (polycystin 1, transient receptor potential channel interacting; minus strand). Cytogenetic location: 16p13.3.
Variant type: single nucleotide variant.
Coding change: c.952G>A on transcript NM_001009944.3 (MANE Select); coding-DNA position 952, G replaced by A.
Protein change: p.Gly318Arg; replaces glycine 318 with arginine.
Molecular consequence: missense variant.
Genome position (GRCh38, 1-based): chr16:2,118,040, C>T on the plus strand (G>A on the coding strand, the complement: PKD1 is on the minus strand). VCF-style: chr16-2118040-C-T. GRCh37 (hg19) VCF-style: chr16-2168041-C-T.
Other names: c.952G>A, p.Gly318Arg (NM_000296.4); short protein forms G318R.
Identifiers: ClinVar variation 2502059 (VCV002502059.1), dbSNP rs577675315, ClinGen allele CA7833622.